The following is an entry in ClinVar:

NM_000492.4(CFTR):c.2695A>G (p.Arg899Gly)

Gene: CFTR (CF transmembrane conductance regulator; plus strand). Cytogenetic location: 7q31.2.
Variant type: single nucleotide variant.
Coding change: c.2695A>G on transcript NM_000492.4 (MANE Select); coding-DNA position 2695, A replaced by G.
Protein change: p.Arg899Gly; replaces arginine 899 with glycine.
Molecular consequence: missense variant.
Genome position (GRCh38, 1-based): chr7:117,603,569, A>G. VCF-style: chr7-117603569-A-G. GRCh37 (hg19) VCF-style: chr7-117243623-A-G.
Other names: short protein forms R899G.
Identifiers: ClinVar variation 1794840 (VCV001794840.2), dbSNP rs2485121816, ClinGen allele CA368986448.
Genomic context (GRCh38, chr7:117,603,569, plus strand): 5'-ACGATTTCCTATTTGCTTTACAGCACTCCTCTTCAAGACAAAGGGAATAGTACTCATAGT[A>G]GAAATAACAGCTATGCAGTGATTATCACCAGCACCAGTTCGTATTATGTGTTTTACATTT-3'
Protein context (NP_000483.3, residues 889-909): LQDKGNSTHS[Arg899Gly]NNSYAVIITS

ClinVar aggregate classification (germline): Uncertain significance (1 of 4 stars; one submission).

Conditions:
Cystic fibrosis (CF). Also called: MUCOVISCIDOSIS. Identifiers: Orphanet 586, MedGen C0010674, MONDO:0009061, OMIM 219700. Disease mechanism: loss of function.

Submission:

Ambry Genetics
Classification: Uncertain significance for Cystic fibrosis. Last evaluated: 2020-02-10. Review status: criteria provided, single submitter. Criteria: Ambry Variant Classification Scheme 2023. Collection method: clinical testing. Allele origin: germline.
Comment: The p.R899G variant (also known as c.2695A>G), located in coding exon 17 of the CFTR gene, results from an A to G substitution at nucleotide position 2695. The arginine at codon 899 is replaced by glycine, an amino acid with dissimilar properties. This amino acid position is poorly conserved in available vertebrate species. In addition, the in silico prediction for this alteration is inconclusive. Since supporting evidence is limited at this time, the clinical significance of this alteration remains unclear.